The following is an entry in ClinVar:

NM_005609.4(PYGM):c.1215C>G (p.Tyr405Ter)

Gene: PYGM (glycogen phosphorylase, muscle associated; minus strand). Cytogenetic location: 11q13.1.
Variant type: single nucleotide variant.
Coding change: c.1215C>G on transcript NM_005609.4 (MANE Select); coding-DNA position 1215, C replaced by G.
Protein change: p.Tyr405Ter; replaces tyrosine 405 with a stop codon.
Molecular consequence: nonsense.
Genome position (GRCh38, 1-based): chr11:64,753,903, G>C on the plus strand (C>G on the coding strand, the complement: PYGM is on the minus strand). VCF-style: chr11-64753903-G-C. GRCh37 (hg19) VCF-style: chr11-64521375-G-C.
Other names: c.951C>G, p.Tyr317Ter (NM_001164716.1); short protein forms Y317*, Y405*.
Identifiers: ClinVar variation 4810688 (VCV004810688.1).

ClinVar aggregate classification (germline): Pathogenic (1 of 4 stars; one submission).

Conditions:
Glycogen storage disease, type V (GSD5). Also called: MCARDLE DISEASE; MUSCLE GLYCOGEN PHOSPHORYLASE DEFICIENCY; MYOPHOSPHORYLASE DEFICIENCY; PYGM DEFICIENCY; McArdle type glycogen storage disease. Identifiers: Orphanet 368, MedGen C0017924, MONDO:0009293, OMIM 232600.

Submission:

Labcorp Genetics (formerly Invitae), Labcorp
Classification: Pathogenic for Glycogen storage disease, type V. Last evaluated: 2025-04-09. Review status: criteria provided, single submitter. Criteria: Invitae Variant Classification Sherloc (09022015). Collection method: clinical testing. Allele origin: germline.
Comment: This sequence change creates a premature translational stop signal (p.Tyr405*) in the PYGM gene. It is expected to result in an absent or disrupted protein product. Loss-of-function variants in PYGM are known to be pathogenic (PMID: 8316268, 16786513). This variant is not present in population databases (gnomAD no frequency). This variant has not been reported in the literature in individuals affected with PYGM-related conditions. For these reasons, this variant has been classified as Pathogenic.

Literature cited by the submitters: PubMed 8316268; PubMed 16786513.